The following is an entry in ClinVar:

ClinVar aggregate classification (germline): Uncertain significance (1 of 4 stars; one submission).

gnomAD v4.1: 3 of 1,613,930 alleles (0.00019%); highest among the groups gnomAD compares: Non-Finnish European, 0.00025%; no homozygotes.

Submission:

CeGaT Center for Human Genetics Tuebingen
Classification: Uncertain significance. Last evaluated: 2023-12-01. Review status: criteria provided, single submitter. Criteria: CeGaT Center For Human Genetics Tuebingen Variant Classification Criteria Version 2. Collection method: clinical testing. Allele origin: germline. Affected: yes. Observed: 1 variant allele.
Comment: SLC12A2: PM2, PP3

NM_001046.3(SLC12A2):c.1183C>A (p.Leu395Ile)

Gene: SLC12A2 (solute carrier family 12 member 2; plus strand). Cytogenetic location: 5q23.3.
Variant type: single nucleotide variant.
Coding change: c.1183C>A on transcript NM_001046.3 (MANE Select); coding-DNA position 1183, C replaced by A.
Protein change: p.Leu395Ile; replaces leucine 395 with isoleucine.
Molecular consequence: missense variant. On other transcripts: non-coding transcript variant (1).
Genome position (GRCh38, 1-based): chr5:128,131,201, C>A. VCF-style: chr5-128131201-C-A. GRCh37 (hg19) VCF-style: chr5-127466893-C-A.
Other names: c.1183C>A, p.Leu395Ile (NM_001256461.2); short protein forms L395I.
Identifiers: ClinVar variation 3026634 (VCV003026634.22), dbSNP rs139110951, ClinGen allele CA360741427.